The following is an entry in ClinVar:

NM_004333.6(BRAF):c.2128-6_2128-5del

Gene: BRAF (B-Raf proto-oncogene, serine/threonine kinase; minus strand). Cytogenetic location: 7q34.
Variant type: Deletion.
Coding change: c.2128-6_2128-5del on transcript NM_004333.6 (MANE Select); 6 bases into the intron before coding-DNA position 2128 through 5 bases into the intron before coding-DNA position 2128, 2 bases deleted (TT; older notation c.2128-6_2128-5delTT).
Molecular consequence: intron variant.
Genome position (GRCh38, 1-based): chr7:140,734,775-140,734,776, AA deleted on the plus strand (TT on the coding strand, the reverse complement: BRAF is on the minus strand); deleting any 2 consecutive bases within chr7:140,734,775-140,734,785 gives the same sequence; the c. name uses the placement nearest the transcript's 3' end. VCF-style (leftmost placement, unchanged base first): chr7-140734774-CAA-C. GRCh37 (hg19) VCF-style: chr7-140434574-CAA-C.
Other names: c.2127+5036_2127+5037del (NM_001378474.1, NM_001378468.1); c.2026-6_2026-5del (NM_001378470.1); c.1864-6_1864-5del (NM_001378475.1); c.2017-6_2017-5del (NM_001378471.1); c.2128-6_2128-5del (NM_001354609.2); c.2248-6_2248-5del (NM_001374258.1, NM_001374244.1); c.2137-6_2137-5del (NM_001378467.1); c.1972-6_1972-5del (NM_001378472.1, NM_001378473.1); and 1 more.
Identifiers: ClinVar variation 3058009 (VCV003058009.2), dbSNP rs373442098, ClinGen allele CA1107942795.

ClinVar aggregate classification (germline): Likely benign (0 of 4 stars; one submission).

Conditions:
BRAF-related disorder. Also called: BRAF-related condition.

Submission:

PreventionGenetics, part of Exact Sciences
Classification: Likely benign for BRAF-related condition. Last evaluated: 2023-04-19. Review status: no assertion criteria provided. Collection method: clinical testing. Allele origin: germline.
Comment: This variant is classified as likely benign based on ACMG/AMP sequence variant interpretation guidelines (Richards et al. 2015 PMID: 25741868, with internal and published modifications).